The following is an entry in ClinVar:

ClinVar aggregate classification (germline): Uncertain significance. Review status: criteria provided, multiple submitters, no conflicts (2 of 4 stars). 2 submissions from 2 submitters: Uncertain significance (2). Last evaluated 2025-10-28.

Conditions:
Alstrom syndrome (ALMS). Identifiers: Orphanet 64, MedGen C0268425, MONDO:0008763, OMIM 203800.

gnomAD v4.1: 1 of 1,613,922 alleles (0.000062%); highest among the groups gnomAD compares: Non-Finnish European, 0.000085%; no homozygotes.

Submissions (2):

Labcorp Genetics (formerly Invitae), Labcorp
Classification: Uncertain significance for Alstrom syndrome. Last evaluated: 2025-10-28. Review status: criteria provided, single submitter. Criteria: Invitae Variant Classification Sherloc (09022015). Collection method: clinical testing. Allele origin: germline.
Comment: This sequence change replaces alanine, which is neutral and non-polar, with threonine, which is neutral and polar, at codon 1726 of the ALMS1 protein (p.Ala1726Thr). This variant is not present in population databases (gnomAD no frequency). This variant has not been reported in the literature in individuals affected with ALMS1-related conditions. ClinVar contains an entry for this variant (Variation ID: 1058350). Experimental studies and prediction algorithms are not available or were not evaluated, and the functional significance of this variant is currently unknown. In summary, the available evidence is currently insufficient to determine the role of this variant in disease. Therefore, it has been classified as a Variant of Uncertain Significance.

Women's Health and Genetics/Laboratory Corporation of America, LabCorp
Classification: Uncertain significance. Last evaluated: 2024-11-26. Review status: criteria provided, single submitter. Criteria: LabCorp Variant Classification Summary - May 2015. Collection method: clinical testing. Allele origin: germline.

NM_001378454.1(ALMS1):c.5173G>A (p.Ala1725Thr)

Gene: ALMS1 (ALMS1 centrosome and basal body associated protein; plus strand). Cytogenetic location: 2p13.1.
Variant type: single nucleotide variant.
Coding change: c.5173G>A on transcript NM_001378454.1 (MANE Select); coding-DNA position 5173, G replaced by A.
Protein change: p.Ala1725Thr; replaces alanine 1725 with threonine.
Molecular consequence: missense variant.
Genome position (GRCh38, 1-based): chr2:73,451,700, G>A. VCF-style: chr2-73451700-G-A. GRCh37 (hg19) VCF-style: chr2-73678827-G-A.
Other names: c.5176G>A, p.Ala1726Thr (NM_015120.4); short protein forms A1725T, A1726T.
Identifiers: ClinVar variation 1058350 (VCV001058350.8), dbSNP rs763052163, ClinGen allele CA347280257.